The following is an entry in ClinVar:

NM_001042545.2(LTBP4):c.383del (p.Pro128fs)

Gene: LTBP4 (latent transforming growth factor beta binding protein 4; plus strand). Cytogenetic location: 19q13.2.
Variant type: Deletion.
Coding change: c.383del on transcript NM_001042545.2 (MANE Select); coding-DNA position 383, one base deleted (C; older notation c.383delC).
Protein change: p.Pro128fs; shifts the reading frame from proline 128.
Molecular consequence: frameshift variant.
Genome position (GRCh38, 1-based): chr19:40,605,167, C deleted; the last of 2 consecutive C bases (chr19:40,605,166-40,605,167); deleting either gives the same sequence. VCF-style (leftmost placement, unchanged base first): chr19-40605165-AC-A. GRCh37 (hg19) VCF-style: chr19-41111071-AC-A.
Other names: c.584del, p.Pro195fs (NM_001042544.1); c.473del, p.Pro158fs (NM_003573.2); short protein forms P128fs, P158fs, P195fs.
Identifiers: ClinVar variation 4695056 (VCV004695056.1).

ClinVar aggregate classification (germline): Pathogenic (1 of 4 stars; one submission).

Submission:

Labcorp Genetics (formerly Invitae), Labcorp
Classification: Pathogenic. Last evaluated: 2025-06-09. Review status: criteria provided, single submitter. Criteria: Invitae Variant Classification Sherloc (09022015). Collection method: clinical testing. Allele origin: germline.
Comment: This sequence change creates a premature translational stop signal (p.Pro158Glnfs*26) in the LTBP4 gene. It is expected to result in an absent or disrupted protein product. Loss-of-function variants in LTBP4 are known to be pathogenic (PMID: 19836010, 22829427). This variant is not present in population databases (gnomAD no frequency). This variant has not been reported in the literature in individuals affected with LTBP4-related conditions. For these reasons, this variant has been classified as Pathogenic.

Literature cited by the submitters: PubMed 19836010; PubMed 22829427.